The following is an entry in ClinVar:

NM_014283.5(SUCO):c.1168A>C (p.Asn390His)

Gene: SUCO (SUN domain containing ossification factor; plus strand). Cytogenetic location: 1q24.3.
Variant type: single nucleotide variant.
Coding change: c.1168A>C on transcript NM_014283.5 (MANE Select); coding-DNA position 1168, A replaced by C.
Protein change: p.Asn390His; replaces asparagine 390 with histidine.
Molecular consequence: missense variant. On other transcripts: 5 prime UTR variant (1).
Genome position (GRCh38, 1-based): chr1:172,575,528, A>C. VCF-style: chr1-172575528-A-C. GRCh37 (hg19) VCF-style: chr1-172544668-A-C.
Other names: c.1057A>C, p.Asn353His (NM_001282750.2); c.-362A>C (NM_001282751.2); c.1642A>C, p.Asn548His (NM_016227.4); short protein forms N548H, N353H, N390H.
Identifiers: ClinVar variation 4727733 (VCV004727733.1).

ClinVar aggregate classification (germline): Uncertain significance (1 of 4 stars; one submission).

gnomAD v4.1: 1 of 1,608,654 alleles (0.000062%); highest among the groups gnomAD compares: South Asian, 0.0011%; no homozygotes.

Submission:

Labcorp Genetics (formerly Invitae), Labcorp
Classification: Uncertain significance. Last evaluated: 2025-09-29. Review status: criteria provided, single submitter. Criteria: Invitae Variant Classification Sherloc (09022015). Collection method: clinical testing. Allele origin: germline.
Comment: This sequence change replaces asparagine, which is neutral and polar, with histidine, which is basic and polar, at codon 390 of the SUCO protein (p.Asn390His). This variant is not present in population databases (gnomAD no frequency). This variant has not been reported in the literature in individuals affected with SUCO-related conditions. An algorithm developed to predict the effect of missense changes on protein structure and function (PolyPhen-2) suggests that this variant is likely to be disruptive. In summary, the available evidence is currently insufficient to determine the role of this variant in disease. Therefore, it has been classified as a Variant of Uncertain Significance.